The following is an entry in ClinVar:

ClinVar aggregate classification (germline): Benign. Review status: reviewed by expert panel (3 of 4 stars). 2 submissions from 2 submitters: Benign (1). 1 of the submissions does not count toward it. Last evaluated 2023-08-10.

Conditions:
CDH1-related diffuse gastric and lobular breast cancer syndrome. Also called: CDH1-related diffuse gastric and lobular breast cancer. Identifiers: MedGen CN311521, MONDO:0100488.
Hereditary diffuse gastric adenocarcinoma (HDGC). Also called: DIFFUSE GASTRIC AND LOBULAR BREAST CANCER SYNDROME. Identifiers: Orphanet 26106, MedGen C1708349, MONDO:0007648, OMIM 137215.

Allele frequency attached by ClinVar (database versions not stated): gnomAD exomes 0.00298; gnomAD 0.01431 and 0.01533; 1000 Genomes Project 0.01657; TOPMed 0.01663; 1000 Genomes Project 30x 0.01765.
gnomAD v4.1: 2,386 of 221,832 alleles (1.1%); highest among the groups gnomAD compares: African/African-American, 4.9%; 55 homozygotes.

Submissions (2):

Clingen Gastric Cancer Variant Curation Expert Panel
Classification: Benign for CDH1-related diffuse gastric and lobular breast cancer syndrome. Last evaluated: 2023-08-10. Review status: reviewed by expert panel. Criteria: ClinGen CDH1 ACMG Specifications V3.1. Collection method: curation. Allele origin: germline. Inheritance: Autosomal dominant inheritance.
Comment: The NM_004360.5(CDH1):c.*1873G>A variant has an allele frequency of 0.04673 (4.673%, 407/8710 alleles, 11 homozygotes) in the African subpopulation of the gnomAD v2.1.1 cohort (BA1; BP2). Therefore, this variant meets criteria to be classified as benign. ACMG/AMP criteria applied, as specified by the CDH1 Variant Curation Expert Panel (Variant Interpretation Guidelines Version 3.1): BA1, BP2.

Illumina Laboratory Services, Illumina
Classification: Benign for Hereditary diffuse gastric adenocarcinoma. Last evaluated: 2018-01-13. Review status: criteria provided, single submitter. Criteria: ICSL Variant Classification Criteria 13 December 2019. Collection method: clinical testing. Allele origin: germline. Not counted in ClinVar's aggregate classification.
Comment: This variant was observed in the ICSL laboratory as part of a predisposition screen in an ostensibly healthy population. It had not been previously curated by ICSL or reported in the Human Gene Mutation Database (HGMD: prior to June 1st, 2018), and was therefore a candidate for classification through an automated scoring system. Utilizing variant allele frequency, disease prevalence and penetrance estimates, and inheritance mode, an automated score was calculated to assess if this variant is too frequent to cause the disease. Based on the score and internal cut-off values, a variant classified as benign is not then subjected to further curation. The score for this variant resulted in a classification of benign for this disease.

NM_004360.5(CDH1):c.*1873G>A

Gene: CDH1 (cadherin 1; plus strand). Cytogenetic location: 16q22.1.
Variant type: single nucleotide variant.
Coding change: c.*1873G>A on transcript NM_004360.5 (MANE Select); 1873 bases downstream of the stop codon, G replaced by A.
Molecular consequence: 3 prime UTR variant.
Genome position (GRCh38, 1-based): chr16:68,835,372, G>A. VCF-style: chr16-68835372-G-A. GRCh37 (hg19) VCF-style: chr16-68869275-G-A.
Other names: c.*1873G>A (NM_001317184.2, NM_001317185.2, NM_001317186.2 and 1 more transcripts).
Identifiers: ClinVar variation 320301 (VCV000320301.8), dbSNP rs35779350, ClinGen allele CA10648814.